The following is an entry in ClinVar:

NM_001943.5(DSG2):c.648T>C (p.Asp216=)

Gene: DSG2 (desmoglein 2; plus strand). Cytogenetic location: 18q12.1.
Variant type: single nucleotide variant.
Coding change: c.648T>C on transcript NM_001943.5 (MANE Select); coding-DNA position 648, T replaced by C.
Protein change: p.Asp216=; no amino-acid change (aspartic acid 216 retained).
Molecular consequence: synonymous variant.
Genome position (GRCh38, 1-based): chr18:31,522,207, T>C. VCF-style: chr18-31522207-T-C. GRCh37 (hg19) VCF-style: chr18-29102170-T-C.
Identifiers: ClinVar variation 922065 (VCV000922065.13), dbSNP rs1235715453, ClinGen allele CA503598215.

ClinVar aggregate classification (germline): Likely benign. Review status: criteria provided, multiple submitters, no conflicts (2 of 4 stars). 4 submissions from 4 submitters: Likely benign (4). Last evaluated 2024-07-22.

Conditions:
Cardiovascular phenotype. Identifiers: MedGen CN230736.
Arrhythmogenic right ventricular cardiomyopathy (ARVD). Also called: Arrhythmogenic cardiomyopathy; Cardiomyopathy, ARVC; Arrhythmogenic right ventricular dysplasia; Arrhythmogenic Right Ventricular Cardiomyopathy (ARVC). Identifiers: Orphanet 247, MedGen C0349788, MeSH D019571, MONDO:0016587. Disease mechanism: loss of function. Inheritance: Various modes of inheritance.
Cardiomyopathy (CMYO). Also called: Cardiomyopathies. Identifiers: Orphanet 167848, MedGen C0878544, MONDO:0004994, HP:0001638. Inheritance: Various modes of inheritance.
Arrhythmogenic right ventricular dysplasia 10. Also called: Arrhythmogenic Right Ventricular Dysplasia/Cardiomyopathy10; ARRHYTHMOGENIC RIGHT VENTRICULAR DYSPLASIA, FAMILIAL, 10; Arrhythmogenic right ventricular dysplasia/cardiomyopathy, type 10. Identifiers: MedGen C1857777, MONDO:0012434, OMIM 610193.

Allele frequency attached by ClinVar (database versions not stated): gnomAD exomes below 0.00001; TOPMed below 0.00001; gnomAD 0.00001.
gnomAD v4.1: 3 of 1,613,776 alleles (0.00019%); highest among the groups gnomAD compares: Non-Finnish European, 0.00017%; no homozygotes.

Submissions (4):

Labcorp Genetics (formerly Invitae), Labcorp
Classification: Likely benign for Arrhythmogenic right ventricular dysplasia 10. Last evaluated: 2024-07-22. Review status: criteria provided, single submitter. Criteria: Invitae Variant Classification Sherloc (09022015). Collection method: clinical testing. Allele origin: germline.

All of Us Research Program, National Institutes of Health
Classification: Likely benign for Arrhythmogenic right ventricular cardiomyopathy. Last evaluated: 2023-09-04. Review status: criteria provided, single submitter. Criteria: ACMG Guidelines, 2015. Collection method: clinical testing. Allele origin: germline. Inheritance: Autosomal dominant inheritance. Observed: 2 variant alleles, 2 heterozygotes.
Comment: This study involves interpretation of variants in research participants for the purpose of population health screening. Participant phenotype was not available at the time of variant classification. Additional details can be found in publication PMID: 35346344, PMCID: PMC8962531

Ambry Genetics
Classification: Likely benign for Cardiovascular phenotype. Last evaluated: 2019-11-01. Review status: criteria provided, single submitter. Criteria: Ambry Variant Classification Scheme 2023. Collection method: clinical testing. Allele origin: germline.

Color Diagnostics, LLC DBA Color Health
Classification: Likely benign for Cardiomyopathy. Last evaluated: 2019-03-07. Review status: criteria provided, single submitter. Criteria: ACMG Guidelines, 2015. Collection method: clinical testing. Allele origin: germline.